The following is an entry in ClinVar:

NM_001165963.4(SCN1A):c.3044C>T (p.Ala1015Val)

Gene: SCN1A (sodium voltage-gated channel alpha subunit 1; minus strand). Cytogenetic location: 2q24.3.
Variant type: single nucleotide variant.
Coding change: c.3044C>T on transcript NM_001165963.4 (MANE Select); coding-DNA position 3044, C replaced by T.
Protein change: p.Ala1015Val; replaces alanine 1015 with valine.
Molecular consequence: missense variant. On other transcripts: non-coding transcript variant (1).
Genome position (GRCh38, 1-based): chr2:166,036,433, G>A on the plus strand (C>T on the coding strand, the complement: SCN1A is on the minus strand). VCF-style: chr2-166036433-G-A. GRCh37 (hg19) VCF-style: chr2-166892943-G-A.
Other names: p.A1015V:GCT>GTT; c.2960C>T, p.Ala987Val (NM_001165964.3, NM_001353957.2, NM_001353958.2); c.3044C>T, p.Ala1015Val (NM_001202435.3, NM_001353948.2); c.3011C>T, p.Ala1004Val (NM_001353949.2, NM_001353950.2, NM_001353951.2 and 2 more transcripts); c.3008C>T, p.Ala1003Val (NM_001353954.2, NM_001353955.2); c.2957C>T, p.Ala986Val (NM_001353960.2); c.602C>T, p.Ala201Val (NM_001353961.2); short protein forms A1004V, A1015V, A986V, A987V, A1003V, A201V.
Identifiers: ClinVar variation 206939 (VCV000206939.17), dbSNP rs772487501, ClinGen allele CA317792.

ClinVar aggregate classification (germline): Conflicting classifications of pathogenicity. Review status: criteria provided, conflicting classifications (1 of 4 stars). 5 submissions from 4 submitters: Uncertain significance (4); Likely benign (1). Last evaluated 2023-01-10.

Conditions:
Early-infantile DEE. Also called: Ohtahara syndrome; Early infantile epileptic encephalopathy; Early infantile epileptic encephalopathy with suppression bursts. Identifiers: Orphanet 1934, MedGen C0393706, MONDO:0800491.
Migraine, familial hemiplegic, 3. Identifiers: Orphanet 569, MedGen C1864987, MONDO:0012320, OMIM 609634.
Generalized epilepsy with febrile seizures plus, type 2 (GEFSP2). Also called: GEFS+, TYPE 2. Identifiers: Orphanet 36387, MedGen C1858673, MONDO:0011461, OMIM 604403.

Allele frequency attached by ClinVar (database versions not stated): gnomAD 0.00002; gnomAD exomes 0.00002 and 0.00006; ExAC 0.00003.
gnomAD v4.1: 33 of 1,606,826 alleles (0.0021%); highest among the groups gnomAD compares: Non-Finnish European, 0.00042%; no homozygotes.

Submissions (5):

Blueprint Genetics
Classification: Likely benign. Last evaluated: 2023-01-10. Review status: criteria provided, single submitter. Criteria: ACMG Guidelines, 2015. Collection method: clinical testing. Allele origin: germline.

Labcorp Genetics (formerly Invitae), Labcorp
Classification: Uncertain significance for Early-infantile DEE. Last evaluated: 2019-10-09. Review status: criteria provided, single submitter. Criteria: Invitae Variant Classification Sherloc (09022015). Collection method: clinical testing. Allele origin: germline.
Comment: In summary, the available evidence is currently insufficient to determine the role of this variant in disease. Therefore, it has been classified as a Variant of Uncertain Significance. Algorithms developed to predict the effect of missense changes on protein structure and function (SIFT, PolyPhen-2, Align-GVGD) all suggest that this variant is likely to be disruptive, but these predictions have not been confirmed by published functional studies and their clinical significance is uncertain. This variant has not been reported in the literature in individuals with SCN1A-related conditions. ClinVar contains an entry for this variant (Variation ID: 206939). This variant is present in population databases (rs772487501, ExAC 0.03%). This sequence change replaces alanine with valine at codon 1015 of the SCN1A protein (p.Ala1015Val). The alanine residue is highly conserved and there is a small physicochemical difference between alanine and valine.

Illumina Laboratory Services, Illumina
Classification: Uncertain significance for Migraine, familial hemiplegic, 3. Last evaluated: 2018-01-13. Review status: criteria provided, single submitter. Criteria: ICSL Variant Classification Criteria 13 December 2019. Collection method: clinical testing. Allele origin: germline.

Illumina Laboratory Services, Illumina
Classification: Uncertain significance for Generalized epilepsy with febrile seizures plus, type 2. Last evaluated: 2018-01-13. Review status: criteria provided, single submitter. Criteria: ICSL Variant Classification Criteria 13 December 2019. Collection method: clinical testing. Allele origin: germline.

GeneDx
Classification: Uncertain significance. Last evaluated: 2015-11-30. Review status: criteria provided, single submitter. Criteria: GeneDx Variant Classification (06012015). Collection method: clinical testing. Allele origin: germline. Affected: yes.
Comment: p.Ala1015Val (GCT>GTT): c.3044 C>T in exon 16 of the SCN1A gene (NM_001165963.1) A variant of unknown significance has been identified in the SCN1A gene. The A1015V variant was previously identified in an individual with severe myoclonic epilepsy of infancy (Dravet syndrome); however, parental studies were not reported. It was not observed in approximately 6,500 individuals of European and African American ancestry in the NHLBI Exome Sequencing Project, indicating it is not a common benign variant in these populations. This substitution alters a conserved position in the cytoplasmic loop between the second and third homologous domains of the SCN1A protein (Escayg et al., 2010), and multiple missense mutations have been reported in this region of the protein in association with SCN1A-related disorders in an external mutation database, supporting the functional importance of this region of the protein. In silico analysis predicts this variant is probably damaging to the protein structure/function. However, the A1015V variant is a conservative amino acid substitution, which is not likely to impact secondary protein structure as these residues share similar properties. Therefore, based on the currently available information, it is unclear whether this variant is a pathogenic mutation or a rare benign variant. The variant is found in EPILEPSY panel(s).